The following is an entry in ClinVar:

ClinVar aggregate classification (germline): Uncertain significance. Review status: criteria provided, multiple submitters, no conflicts (2 of 4 stars). 2 submissions from 2 submitters: Uncertain significance (2). Last evaluated 2025-01-17.

Conditions:
Adams-Oliver syndrome 5 (AOS5). Identifiers: Orphanet 974, MedGen C4014970, MONDO:0014459, OMIM 616028.
Familial thoracic aortic aneurysm and aortic dissection (TAAD). Also called: Thoracic aortic aneurysms and dissections. Identifiers: Orphanet 91387, MedGen C4707243, MONDO:0019625.

Allele frequency attached by ClinVar (database versions not stated): gnomAD exomes below 0.00001.

Submissions (2):

Ambry Genetics
Classification: Uncertain significance for Familial thoracic aortic aneurysm and aortic dissection. Last evaluated: 2025-01-17. Review status: criteria provided, single submitter. Criteria: Ambry Variant Classification Scheme 2023. Collection method: clinical testing. Allele origin: germline.

Labcorp Genetics (formerly Invitae), Labcorp
Classification: Uncertain significance for Adams-Oliver syndrome 5. Last evaluated: 2023-07-12. Review status: criteria provided, single submitter. Criteria: Invitae Variant Classification Sherloc (09022015). Collection method: clinical testing. Allele origin: germline.
Comment: This sequence change replaces asparagine, which is neutral and polar, with aspartic acid, which is acidic and polar, at codon 2059 of the NOTCH1 protein (p.Asn2059Asp). This variant is present in population databases (no rsID available, gnomAD 0.0009%). This variant has not been reported in the literature in individuals affected with NOTCH1-related conditions. Advanced modeling of protein sequence and biophysical properties (such as structural, functional, and spatial information, amino acid conservation, physicochemical variation, residue mobility, and thermodynamic stability) performed at Invitae indicates that this missense variant is not expected to disrupt NOTCH1 protein function. In summary, the available evidence is currently insufficient to determine the role of this variant in disease. Therefore, it has been classified as a Variant of Uncertain Significance.

NM_017617.5(NOTCH1):c.6175A>G (p.Asn2059Asp)

Genes: NOTCH1 (notch receptor 1; minus strand), LOC126860794 (BRD4-independent group 4 enhancer GRCh37_chr9:139392592-139393791; plus strand). Cytogenetic location: 9q34.3.
Variant type: single nucleotide variant.
Coding change: c.6175A>G on transcript NM_017617.5 (MANE Select); coding-DNA position 6175, A replaced by G.
Protein change: p.Asn2059Asp; replaces asparagine 2059 with aspartic acid.
Molecular consequence: missense variant.
Genome position (GRCh38, 1-based): chr9:136,498,904, T>C on the plus strand (A>G on the coding strand, the complement: NOTCH1 is on the minus strand). VCF-style: chr9-136498904-T-C. GRCh37 (hg19) VCF-style: chr9-139393356-T-C.
Other names: short protein forms N2059D.
Identifiers: ClinVar variation 2586751 (VCV002586751.6), dbSNP rs1454265367, ClinGen allele CA375633680.